The following is an entry in ClinVar:

NM_001321120.2(TBX4):c.17G>C (p.Gly6Ala)

Gene: TBX4 (T-box transcription factor 4; plus strand). Cytogenetic location: 17q23.2.
Variant type: single nucleotide variant.
Coding change: c.17G>C on transcript NM_001321120.2 (MANE Select); coding-DNA position 17, G replaced by C.
Protein change: p.Gly6Ala; replaces glycine 6 with alanine.
Molecular consequence: missense variant.
Genome position (GRCh38, 1-based): chr17:61,456,507, G>C. VCF-style: chr17-61456507-G-C. GRCh37 (hg19) VCF-style: chr17-59533868-G-C.
Other names: c.17G>C, p.Gly6Ala (LRG_1206t1, NM_018488.3); short protein forms G6A.
Identifiers: ClinVar variation 324241 (VCV000324241.17), dbSNP rs3744448, ClinGen allele CA8689721.

ClinVar aggregate classification (germline): Benign. Review status: criteria provided, multiple submitters, no conflicts (2 of 4 stars). 5 submissions from 5 submitters: Benign (5). Last evaluated 2026-02-03.

Conditions:
Coxopodopatellar syndrome. Also called: ISCHIOCOXOPODOPATELLAR SYNDROME WITH OR WITHOUT PULMONARY ARTERIAL HYPERTENSION; Congenital coxa vara, patella aplasia and tarsal synostosis; ISCHIOPATELLAR DYSPLASIA; SCOTT-TAOR SYNDROME; ISCHIOCOXOPODOPATELLAR SYNDROME; PATELLA APLASIA, COXA VARA, AND TARSAL SYNOSTOSIS. Identifiers: Orphanet 1509, MedGen C1840061, MONDO:0007841, OMIM 147891.

Allele frequency attached by ClinVar (database versions not stated): ESP Exome Variant Server 0.11840; TOPMed 0.14442; gnomAD 0.14894 and 0.15190; 1000 Genomes Project 30x 0.17676; 1000 Genomes Project 0.18011; ExAC 0.23444.
gnomAD v4.1: 244,035 of 1,568,454 alleles (16%); highest among the groups gnomAD compares: East Asian, 34%; 20,546 homozygotes.

Submissions (5):

Labcorp Genetics (formerly Invitae), Labcorp
Classification: Benign. Last evaluated: 2026-02-03. Review status: criteria provided, single submitter. Criteria: Invitae Variant Classification Sherloc (09022015). Collection method: clinical testing. Allele origin: germline.

Blueprint Genetics
Classification: Benign. Last evaluated: 2024-11-27. Review status: criteria provided, single submitter. Criteria: ACMG Guidelines, 2015. Collection method: clinical testing. Allele origin: germline.

GeneDx
Classification: Benign. Last evaluated: 2019-04-19. Review status: criteria provided, single submitter. Criteria: GeneDx Variant Classification Process June 2021. Collection method: clinical testing. Allele origin: germline. Affected: yes.
Comment: This variant is associated with the following publications: (PMID: 30389748)

Illumina Laboratory Services, Illumina
Classification: Benign for Coxopodopatellar syndrome. Last evaluated: 2018-01-13. Review status: criteria provided, single submitter. Criteria: ICSL Variant Classification Criteria 13 December 2019. Collection method: clinical testing. Allele origin: germline.
Comment: This variant was observed in the ICSL laboratory as part of a predisposition screen in an ostensibly healthy population. It had not been previously curated by ICSL or reported in the Human Gene Mutation Database (HGMD: prior to June 1st, 2018), and was therefore a candidate for classification through an automated scoring system. Utilizing variant allele frequency, disease prevalence and penetrance estimates, and inheritance mode, an automated score was calculated to assess if this variant is too frequent to cause the disease. Based on the score and internal cut-off values, a variant classified as benign is not then subjected to further curation. The score for this variant resulted in a classification of benign for this disease.

Breakthrough Genomics
Classification: Benign. Review status: criteria provided, single submitter. Criteria: ACMG Guidelines, 2015. Collection method: not provided. Allele origin: germline. Inheritance: Autosomal recessive inheritance. Affected: yes.